The following is an entry in ClinVar:

ClinVar aggregate classification (germline): Pathogenic (1 of 4 stars; one submission).

Submission:

Labcorp Genetics (formerly Invitae), Labcorp
Classification: Pathogenic. Last evaluated: 2022-12-11. Review status: criteria provided, single submitter. Criteria: Invitae Variant Classification Sherloc (09022015). Collection method: clinical testing. Allele origin: unknown.
Comment: For these reasons, this variant has been classified as Pathogenic. This variant disrupts a region of the SI protein in which other variant(s) (p.Asp536Val) have been determined to be pathogenic (PMID: 28062276; Invitae). This suggests that this is a clinically significant region of the protein, and that variants that disrupt it are likely to be disease-causing. This variant has not been reported in the literature in individuals affected with SI-related conditions. This variant is a gross deletion of the genomic region encompassing exon(s) 10-16 of the SI gene. This variant would be expected to be in-frame, preserving the integrity of the reading frame.

Literature cited by the submitters: PubMed 28062276.

NC_000003.11:g.(?_164764609)_(164777835_?)del

Gene: SI (sucrase-isomaltase; minus strand). Cytogenetic location: 3q26.1.
Variant type: Deletion.
Identifiers: ClinVar variation 3246962 (VCV003246962.1).